The following is an entry in ClinVar:

ClinVar aggregate classification (germline): Uncertain significance (1 of 4 stars; one submission).

Conditions:
Ehlers-Danlos syndrome, type 4 (EDSVASC). Also called: Ehlers-Danlos Syndrome Type IV; Ehlers-Danlos syndrome vascular type; Ehlers Danlos syndrome, ecchymotic type; Ehlers Danlos syndrome, arterial type; Ehlers Danlos syndrome, Sack-Barabas type. Identifiers: Orphanet 286, MedGen C0268338, MONDO:0017314, OMIM 130050.

gnomAD v4.1: 2 of 1,609,254 alleles (0.00012%); highest among the groups gnomAD compares: Non-Finnish European, 0.000085%; no homozygotes.

Submission:

All of Us Research Program, National Institutes of Health
Classification: Uncertain significance for Ehlers-Danlos syndrome, type 4. Last evaluated: 2023-07-10. Review status: criteria provided, single submitter. Criteria: ACMG Guidelines, 2015. Collection method: clinical testing. Allele origin: germline. Inheritance: Autosomal dominant inheritance. Observed: 1 variant allele, 1 heterozygote.
Comment: This missense variant replaces proline with alanine at codon 1121 of the COL3A1 protein. Computational prediction suggests that this variant may not impact protein structure and function (internally defined REVEL score threshold <= 0.5, PMID: 27666373). To our knowledge, functional studies have not been reported for this variant. This variant has not been reported in individuals affected with COL3A1-related disorders in the literature. This variant has not been identified in the general population by the Genome Aggregation Database (gnomAD). The available evidence is insufficient to determine the role of this variant in disease conclusively. Therefore, this variant is classified as a Variant of Uncertain Significance.

This study involves interpretation of variants in research participants for the purpose of population health screening. Participant phenotype was not available at the time of variant classification. Additional details can be found in publication PMID: 35346344, PMCID: PMC8962531

NM_000090.4(COL3A1):c.3361C>G (p.Pro1121Ala)

Gene: COL3A1 (collagen type III alpha 1 chain; plus strand). Cytogenetic location: 2q32.2.
Variant type: single nucleotide variant.
Coding change: c.3361C>G on transcript NM_000090.4 (MANE Select); coding-DNA position 3361, C replaced by G.
Protein change: p.Pro1121Ala; replaces proline 1121 with alanine.
Molecular consequence: missense variant.
Genome position (GRCh38, 1-based): chr2:189,007,605, C>G. VCF-style: chr2-189007605-C-G. GRCh37 (hg19) VCF-style: chr2-189872331-C-G.
Other names: short protein forms P1121A.
Identifiers: ClinVar variation 3072372 (VCV003072372.1), dbSNP rs1336667695, ClinGen allele CA349845963.
Genomic context (GRCh38, chr2:189,007,605, plus strand): 5'-GGAGCTGCTGGCATCAAAGGACATCGAGGATTCCCTGGTAATCCAGGTGCCCCAGGTTCT[C>G]CAGTAAGTGCATTCATTTTGTTGGAAAATCCCTTCAATGTATACAAATTTTAGAGATTAA-3'
Protein context (NP_000081.2, residues 1111-1131): FPGNPGAPGS[Pro1121Ala]GPAGQQGAIG